The following is an entry in ClinVar:

ClinVar aggregate classification (germline): Benign. Review status: criteria provided, multiple submitters, no conflicts (2 of 4 stars). 9 submissions from 7 submitters: Benign (9). Last evaluated 2026-02-03.

Conditions:
Hereditary spherocytosis type 3. Also called: SPTA1-Related Spherocytosis; Spherocytosis type 3. Identifiers: Orphanet 822, MedGen C2678338, MONDO:0010053, OMIM 270970.
Elliptocytosis 2 (EL2). Also called: ELLIPTOCYTOSIS, RHESUS-UNLINKED TYPE. Identifiers: Orphanet 288, MedGen C1851741, MONDO:0007533, OMIM 130600.
Pyropoikilocytosis, hereditary. Also called: Pyropoikilocytosis. Identifiers: MedGen C0520739, MONDO:0009948, OMIM 266140, HP:0004839. Disease mechanism: loss of function.

Allele frequency attached by ClinVar (database versions not stated): ExAC 0.03162; gnomAD 0.05356 and 0.05541; ESP Exome Variant Server 0.05486; gnomAD exomes 0.02009 and 0.02914; 1000 Genomes Project 0.05391; 1000 Genomes Project 30x 0.05668; TOPMed 0.05833.
gnomAD v4.1: 38,022 of 1,614,126 alleles (2.4%); highest among the groups gnomAD compares: African/African-American, 15%; 1,302 homozygotes.

Submissions (9):

Labcorp Genetics (formerly Invitae), Labcorp
Classification: Benign. Last evaluated: 2026-02-03. Review status: criteria provided, single submitter. Criteria: Invitae Variant Classification Sherloc (09022015). Collection method: clinical testing. Allele origin: germline.

ARUP Laboratories, Molecular Genetics and Genomics, ARUP Laboratories
Classification: Benign. Last evaluated: 2025-06-30. Review status: criteria provided, single submitter. Criteria: ARUP Molecular Germline Variant Investigation Process 2024. Collection method: clinical testing. Allele origin: germline.

GeneDx
Classification: Benign. Last evaluated: 2021-06-09. Review status: criteria provided, single submitter. Criteria: GeneDx Variant Classification Process June 2021. Collection method: clinical testing. Allele origin: germline. Affected: yes.

Illumina Laboratory Services, Illumina
Classification: Benign for Pyropoikilocytosis, hereditary. Last evaluated: 2018-01-12. Review status: criteria provided, single submitter. Criteria: ICSL Variant Classification Criteria 13 December 2019. Collection method: clinical testing. Allele origin: germline.
Comment: This variant was observed in the ICSL laboratory as part of a predisposition screen in an ostensibly healthy population. It had not been previously curated by ICSL or reported in the Human Gene Mutation Database (HGMD: prior to June 1st, 2018), and was therefore a candidate for classification through an automated scoring system. Utilizing variant allele frequency, disease prevalence and penetrance estimates, and inheritance mode, an automated score was calculated to assess if this variant is too frequent to cause the disease. Based on the score and internal cut-off values, a variant classified as benign is not then subjected to further curation. The score for this variant resulted in a classification of benign for this disease.

Illumina Laboratory Services, Illumina
Classification: Benign for Elliptocytosis 2. Last evaluated: 2018-01-12. Review status: criteria provided, single submitter. Criteria: ICSL Variant Classification Criteria 13 December 2019. Collection method: clinical testing. Allele origin: germline.
Comment: the same text as in the submission from Illumina Laboratory Services, Illumina above.

Illumina Laboratory Services, Illumina
Classification: Benign for Hereditary spherocytosis type 3. Last evaluated: 2018-01-12. Review status: criteria provided, single submitter. Criteria: ICSL Variant Classification Criteria 13 December 2019. Collection method: clinical testing. Allele origin: germline.
Comment: the same text as in the submission from Illumina Laboratory Services, Illumina above.

Mayo Clinic Laboratories, Mayo Clinic
Classification: Benign. Last evaluated: 2016-04-30. Review status: criteria provided, single submitter. Criteria: ACMG Guidelines, 2015. Collection method: clinical testing. Allele origin: germline. Observed: 213 variant alleles.

Breakthrough Genomics
Classification: Benign. Review status: criteria provided, single submitter. Criteria: ACMG Guidelines, 2015. Collection method: not provided. Allele origin: germline. Inheritance: Autosomal recessive inheritance. Affected: yes.

PreventionGenetics, part of Exact Sciences
Classification: Benign. Review status: criteria provided, single submitter. Criteria: ACMG Guidelines, 2015. Collection method: clinical testing. Allele origin: germline.

NM_003126.4(SPTA1):c.5507A>G (p.Asn1836Ser)

Gene: SPTA1 (spectrin alpha, erythrocytic 1; minus strand). Cytogenetic location: 1q23.1.
Variant type: single nucleotide variant.
Coding change: c.5507A>G on transcript NM_003126.4 (MANE Select); coding-DNA position 5507, A replaced by G.
Protein change: p.Asn1836Ser; replaces asparagine 1836 with serine.
Molecular consequence: missense variant.
Genome position (GRCh38, 1-based): chr1:158,634,601, T>C on the plus strand (A>G on the coding strand, the complement: SPTA1 is on the minus strand). VCF-style: chr1-158634601-T-C. GRCh37 (hg19) VCF-style: chr1-158604391-T-C.
Other names: short protein forms N1836S.
Identifiers: ClinVar variation 258947 (VCV000258947.30), dbSNP rs16830483, ClinGen allele CA1182279.